The following is an entry in ClinVar:

NM_001364905.1(LRBA):c.1360-40A>G

Gene: LRBA (LPS responsive beige-like anchor protein; minus strand). Cytogenetic location: 4q31.3.
Variant type: single nucleotide variant.
Coding change: c.1360-40A>G on transcript NM_001364905.1 (MANE Select); 40 bases into the intron before coding-DNA position 1360, A replaced by G.
Molecular consequence: intron variant.
Genome position (GRCh38, 1-based): chr4:150,908,507, T>C on the plus strand (A>G on the coding strand, the complement: LRBA is on the minus strand). VCF-style: chr4-150908507-T-C. GRCh37 (hg19) VCF-style: chr4-151829659-T-C.
Other names: c.1360-40A>G (NM_001367550.1, NM_006726.5, NM_001199282.3 and 2 more transcripts).
Identifiers: ClinVar variation 1174165 (VCV001174165.4), dbSNP rs1201207, ClinGen allele CA3103598.

ClinVar aggregate classification (germline): Benign. Review status: criteria provided, multiple submitters, no conflicts (2 of 4 stars). 3 submissions from 3 submitters: Benign (3). Last evaluated 2023-11-12.

Allele frequency attached by ClinVar (database versions not stated): TOPMed 0.95424; gnomAD 0.95931 and 0.95627; 1000 Genomes Project 0.95946; 1000 Genomes Project 30x 0.95690; ExAC 0.98738; gnomAD exomes 0.98853; ESP Exome Variant Server 0.95425.
gnomAD v4.1: 1,540,333 of 1,552,284 alleles (99%); highest among the groups gnomAD compares: East Asian, 100%; 764,882 homozygotes.

Submissions (3):

Unidad de Genómica Garrahan, Hospital de Pediatría Garrahan
Classification: Benign. Last evaluated: 2023-11-12. Review status: criteria provided, single submitter. Criteria: ACMG Guidelines, 2015. Collection method: clinical testing. Allele origin: germline. Affected: no. Observed: 91 variant alleles.
Comment: This variant is classified as Benign based on local population frequency. This variant was detected in 95% of patients studied by a panel of primary immunodeficiencies. Number of patients: 91. Only high quality variants are reported.

GeneDx
Classification: Benign. Last evaluated: 2021-06-19. Review status: criteria provided, single submitter. Criteria: GeneDx Variant Classification (06012015). Collection method: clinical testing. Allele origin: germline. Affected: yes.

Breakthrough Genomics
Classification: Benign. Review status: criteria provided, single submitter. Criteria: ACMG Guidelines, 2015. Collection method: not provided. Allele origin: germline. Inheritance: Autosomal recessive inheritance. Affected: yes.